The following is an entry in ClinVar:

ClinVar aggregate classification (germline): Uncertain significance (1 of 4 stars; one submission).

Conditions:
Nephrotic syndrome, type 3 (NPHS3). Also called: NEPHROTIC SYNDROME, EARLY-ONSET, TYPE 3. Identifiers: Orphanet 656, MedGen C1853124, MONDO:0012546, OMIM 610725.

Allele frequency attached by ClinVar (database versions not stated): ESP Exome Variant Server 0.00008.

Submission:

Baylor Genetics
Classification: Uncertain significance for Nephrotic syndrome, type 3. Last evaluated: 2019-09-11. Review status: criteria provided, single submitter. Criteria: ACMG Guidelines, 2015. Collection method: clinical testing. Allele origin: unknown. Affected: yes.
Comment: This variant was determined to be of uncertain significance according to ACMG Guidelines, 2015 [PMID:25741868].

NM_016341.4(PLCE1):c.1648G>T (p.Val550Phe)

Gene: PLCE1 (phospholipase C epsilon 1; plus strand). Cytogenetic location: 10q23.33.
Variant type: single nucleotide variant.
Coding change: c.1648G>T on transcript NM_016341.4 (MANE Select); coding-DNA position 1648, G replaced by T.
Protein change: p.Val550Phe; replaces valine 550 with phenylalanine.
Molecular consequence: missense variant.
Genome position (GRCh38, 1-based): chr10:94,171,335, G>T. VCF-style: chr10-94171335-G-T. GRCh37 (hg19) VCF-style: chr10-95931092-G-T.
Other names: c.724G>T, p.Val242Phe (NM_001165979.2); c.1648G>T, p.Val550Phe (NM_001288989.2); short protein forms V242F, V550F.
Identifiers: ClinVar variation 1029438 (VCV001029438.1), dbSNP rs377400616, ClinGen allele CA212144303.